The following is an entry in ClinVar:

NM_005585.5(SMAD6):c.1006T>G (p.Tyr336Asp)

Gene: SMAD6 (SMAD family member 6; plus strand). Cytogenetic location: 15q22.31.
Variant type: single nucleotide variant.
Coding change: c.1006T>G on transcript NM_005585.5 (MANE Select); coding-DNA position 1006, T replaced by G.
Protein change: p.Tyr336Asp; replaces tyrosine 336 with aspartic acid.
Molecular consequence: missense variant. On other transcripts: non-coding transcript variant (1).
Genome position (GRCh38, 1-based): chr15:66,781,050, T>G. VCF-style: chr15-66781050-T-G. GRCh37 (hg19) VCF-style: chr15-67073388-T-G.
Other names: short protein forms Y336D.
Identifiers: ClinVar variation 3572631 (VCV003572631.1).
Genomic context (GRCh38, chr15:66,781,050, plus strand): 5'-CCCGCAGACGCCAGCATGTCTCCGGACGCCACCAAGCCGAGCCACTGGTGCAGCGTGGCG[T>G]ACTGGGAGCACCGGACGCGCGTGGGCCGCCTCTATGCGGTGTACGACCAGGCCGTCAGCA-3'
Protein context (NP_005576.3, residues 326-346): TKPSHWCSVA[Tyr336Asp]WEHRTRVGRL

ClinVar aggregate classification (germline): Uncertain significance (1 of 4 stars; one submission).

Submission:

GeneDx
Classification: Uncertain significance. Last evaluated: 2024-07-08. Review status: criteria provided, single submitter. Criteria: GeneDx Variant Classification Process June 2021. Collection method: clinical testing. Allele origin: germline. Affected: yes.
Comment: Not observed at significant frequency in large population cohorts (gnomAD); In silico analysis supports that this missense variant has a deleterious effect on protein structure/function; Has not been previously published as pathogenic or benign to our knowledge